The following is an entry in ClinVar:

NM_003072.5(SMARCA4):c.*19C>T

Gene: SMARCA4 (SWI/SNF related BAF chromatin remodeling complex subunit ATPase 4; plus strand). Cytogenetic location: 19p13.2.
Variant type: single nucleotide variant.
Coding change: c.*19C>T on transcript NM_003072.5 (MANE Select); 19 bases downstream of the stop codon, C replaced by T.
Molecular consequence: 3 prime UTR variant. On other transcripts: non-coding transcript variant (1).
Genome position (GRCh38, 1-based): chr19:11,061,835, C>T. VCF-style: chr19-11061835-C-T. GRCh37 (hg19) VCF-style: chr19-11172511-C-T.
Other names: c.*19C>T (NM_001128844.3, NM_001128845.2, NM_001128846.2 and 5 more transcripts).
Identifiers: ClinVar variation 389175 (VCV000389175.1), dbSNP rs199852385, ClinGen allele CA9204929.

ClinVar aggregate classification (germline): Likely benign (1 of 4 stars; one submission).

Allele frequency attached by ClinVar (database versions not stated): gnomAD exomes 0.00005 and 0.00024; gnomAD 0.00008 and 0.00011; TOPMed 0.00015; ExAC 0.00025; 1000 Genomes Project 30x 0.00078; 1000 Genomes Project 0.00080.

Submission:

GeneDx
Classification: Likely benign. Last evaluated: 2016-09-08. Review status: criteria provided, single submitter. Criteria: GeneDx Variant Classification (06012015). Collection method: clinical testing. Allele origin: germline. Affected: yes.
Comment: This variant is considered likely benign or benign based on one or more of the following criteria: it is a conservative change, it occurs at a poorly conserved position in the protein, it is predicted to be benign by multiple in silico algorithms, and/or has population frequency not consistent with disease.